The following is an entry in ClinVar:

ClinVar aggregate classification (germline): Uncertain significance (1 of 4 stars; one submission).

Allele frequency attached by ClinVar (database versions not stated): TOPMed below 0.00001; gnomAD exomes 0.00001.
gnomAD v4.1: 3 of 1,605,588 alleles (0.00019%); highest among the groups gnomAD compares: Admixed American, 0.0017%; no homozygotes.

Submission:

Ambry Genetics
Classification: Uncertain significance. Last evaluated: 2025-05-06. Review status: criteria provided, single submitter. Criteria: Ambry Variant Classification Scheme 2023. Collection method: clinical testing. Allele origin: germline.
Comment: The p.N925S variant (also known as c.2774A>G), located in coding exon 16 of the PKP4 gene, results from an A to G substitution at nucleotide position 2774. The asparagine at codon 925 is replaced by serine, an amino acid with highly similar properties. This amino acid position is conserved. In addition, this alteration is predicted to be tolerated by in silico analysis. Since supporting evidence is limited at this time, the clinical significance of this alteration remains unclear.

NM_003628.6(PKP4):c.2774A>G (p.Asn925Ser)

Genes: PKP4 (plakophilin 4; plus strand), PKP4-AS1 (PKP4 antisense RNA 1; minus strand). Cytogenetic location: 2q24.1.
Variant type: single nucleotide variant.
Coding change: c.2774A>G on transcript NM_003628.6 (MANE Select); coding-DNA position 2774, A replaced by G.
Protein change: p.Asn925Ser; replaces asparagine 925 with serine.
Molecular consequence: missense variant.
Genome position (GRCh38, 1-based): chr2:158,669,765, A>G. VCF-style: chr2-158669765-A-G. GRCh37 (hg19) VCF-style: chr2-159526277-A-G.
Other names: c.2774A>G, p.Asn925Ser (NM_001005476.4, NM_001377218.1, NM_001377225.1); c.2771A>G, p.Asn924Ser (NM_001304969.3, NM_001377219.1, NM_001377220.1 and 2 more transcripts); c.1745A>G, p.Asn582Ser (NM_001304970.3); c.2768A>G, p.Asn923Ser (NM_001377222.1, NM_001377223.1); c.2765A>G, p.Asn922Ser (NM_001377224.1); short protein forms N922S, N924S, N925S, N582S, N923S.
Identifiers: ClinVar variation 1795830 (VCV001795830.3), dbSNP rs2057404018, ClinGen allele CA348905205.
Genomic context (GRCh38, chr2:158,669,765, plus strand): 5'-TTTTGCCGTTGGCAGGCAAATACGCCATGCGAGACCTGGTCAACCGGCTCCCCGGCGGCA[A>G]TGGCCCCAGTGTCTTGTCTGATGAGACCATGGCAGCCATCTGCTGTGCTCTGCACGAGGT-3'
Protein context (NP_003619.2, residues 915-935): RDLVNRLPGG[Asn925Ser]GPSVLSDETM